The following is an entry in ClinVar:

ClinVar aggregate classification (germline): Pathogenic (1 of 4 stars; one submission).

Submission:

Labcorp Genetics (formerly Invitae), Labcorp
Classification: Pathogenic. Last evaluated: 2023-05-13. Review status: criteria provided, single submitter. Criteria: Invitae Variant Classification Sherloc (09022015). Collection method: clinical testing. Allele origin: germline.
Comment: For these reasons, this variant has been classified as Pathogenic. This variant has not been reported in the literature in individuals affected with COL7A1-related conditions. This variant is not present in population databases (gnomAD no frequency). This sequence change creates a premature translational stop signal (p.Pro1739Glufs*101) in the COL7A1 gene. It is expected to result in an absent or disrupted protein product. Loss-of-function variants in COL7A1 are known to be pathogenic (PMID: 16971478).

Literature cited by the submitters: PubMed 16971478.

NM_000094.4(COL7A1):c.5214_5217del (p.Pro1739fs)

Gene: COL7A1 (collagen type VII alpha 1 chain; minus strand). Cytogenetic location: 3p21.31.
Variant type: Deletion.
Coding change: c.5214_5217del on transcript NM_000094.4 (MANE Select); coding-DNA positions 5214 to 5217, 4 bases deleted (CCCT; older notation c.5214_5217delCCCT).
Protein change: p.Pro1739fs; shifts the reading frame from proline 1739.
Molecular consequence: frameshift variant.
Genome position (GRCh38, 1-based): chr3:48,579,606-48,579,609, AGGG deleted on the plus strand (CCCT on the coding strand, the reverse complement: COL7A1 is on the minus strand); deleting any 4 consecutive bases within chr3:48,579,606-48,579,612 gives the same sequence; the c. name uses the placement nearest the transcript's 3' end. VCF-style (leftmost placement, unchanged base first): chr3-48579605-CAGGG-C. GRCh37 (hg19) VCF-style: chr3-48617038-CAGGG-C.
Other names: short protein forms P1739fs.
Identifiers: ClinVar variation 2863934 (VCV002863934.3), dbSNP rs2531063518, ClinGen allele CA2739279140.